The following is an entry in ClinVar:

ClinVar aggregate classification (germline): Benign. Review status: criteria provided, multiple submitters, no conflicts (2 of 4 stars). 11 submissions from 10 submitters: Benign (9). 2 of the submissions do not count toward it. Last evaluated 2026-02-04.

Conditions:
Autosomal dominant nonsyndromic hearing loss 4A. Also called: Deafness, autosomal dominant 4A. Identifiers: Orphanet 90635, MedGen C1833503, MONDO:0010915, OMIM 600652.
Peripheral neuropathy-myopathy-hoarseness-hearing loss syndrome. Identifiers: Orphanet 397744, MedGen C3280556, MONDO:0013711, OMIM 614369.

Allele frequency attached by ClinVar (database versions not stated): 1000 Genomes Project 30x 0.67146; 1000 Genomes Project 0.68211; gnomAD exomes 0.74563 and 0.75662; ExAC 0.74795; ESP Exome Variant Server 0.61460; gnomAD 0.63924 and 0.65120; TOPMed 0.64039.
gnomAD v4.1: 1,184,220 of 1,609,188 alleles (74%); highest among the groups gnomAD compares: East Asian, 91%; 442,992 homozygotes.

Submissions (11):

Labcorp Genetics (formerly Invitae), Labcorp
Classification: Benign. Last evaluated: 2026-02-04. Review status: criteria provided, single submitter. Criteria: Invitae Variant Classification Sherloc (09022015). Collection method: clinical testing. Allele origin: germline.

Genome-Nilou Lab
Classification: Benign for Peripheral neuropathy-myopathy-hoarseness-hearing loss syndrome. Last evaluated: 2021-09-05. Review status: criteria provided, single submitter. Criteria: ACMG Guidelines, 2015. Collection method: clinical testing. Allele origin: germline. Affected: no.

Genome-Nilou Lab
Classification: Benign for Autosomal dominant nonsyndromic hearing loss 4A. Last evaluated: 2021-09-05. Review status: criteria provided, single submitter. Criteria: ACMG Guidelines, 2015. Collection method: clinical testing. Allele origin: germline. Affected: no.

Mayo Clinic Laboratories, Mayo Clinic
Classification: Benign. Last evaluated: 2020-08-14. Review status: criteria provided, single submitter. Criteria: ACMG Guidelines, 2015. Collection method: clinical testing. Allele origin: germline. Observed: 1,301 variant alleles.

Illumina Laboratory Services, Illumina
Classification: Benign for Autosomal dominant nonsyndromic hearing loss 4A. Last evaluated: 2018-01-12. Review status: criteria provided, single submitter. Criteria: ICSL Variant Classification Criteria 13 December 2019. Collection method: clinical testing. Allele origin: germline.
Comment: This variant was observed in the ICSL laboratory as part of a predisposition screen in an ostensibly healthy population. It had not been previously curated by ICSL or reported in the Human Gene Mutation Database (HGMD: prior to June 1st, 2018), and was therefore a candidate for classification through an automated scoring system. Utilizing variant allele frequency, disease prevalence and penetrance estimates, and inheritance mode, an automated score was calculated to assess if this variant is too frequent to cause the disease. Based on the score and internal cut-off values, a variant classified as benign is not then subjected to further curation. The score for this variant resulted in a classification of benign for this disease.

GeneDx
Classification: Benign. Last evaluated: 2017-05-09. Review status: criteria provided, single submitter. Criteria: GeneDx Variant Classification (06012015). Collection method: clinical testing. Allele origin: germline. Affected: yes.
Comment: This variant is considered likely benign or benign based on one or more of the following criteria: it is a conservative change, it occurs at a poorly conserved position in the protein, it is predicted to be benign by multiple in silico algorithms, and/or has population frequency not consistent with disease.

Laboratory for Molecular Medicine, Mass General Brigham Personalized Medicine
Classification: Benign. Last evaluated: 2012-05-07. Review status: criteria provided, single submitter. Criteria: LMM Criteria. Collection method: clinical testing. Allele origin: germline. Observed: 1,506 variant alleles.
Comment: "Ser1810Ser in Exon 39 of MYH14: This variant is not expected to have clinical s ignificance because it does not alter an amino acid residue, is not located with in the splice consensus sequence, and has been identified in 36.9% (1373/3716) o f African American chromosomes from a broad population by the NHLBI Exome Sequen cing Project (dbSNP rs3745509)."

Breakthrough Genomics
Classification: Benign. Review status: criteria provided, single submitter. Criteria: ACMG Guidelines, 2015. Collection method: not provided. Allele origin: germline. Inheritance: Autosomal dominant inheritance. Affected: yes.

PreventionGenetics, part of Exact Sciences
Classification: Benign. Review status: criteria provided, single submitter. Criteria: ACMG Guidelines, 2015. Collection method: clinical testing. Allele origin: germline.

Clinical Genetics, Academic Medical Center
Classification: Benign. Review status: no assertion criteria provided. Collection method: clinical testing. Allele origin: germline. Affected: yes. Study: VKGL Data-share Consensus. Not counted in ClinVar's aggregate classification.

Diagnostic Laboratory, Department of Genetics, University Medical Center Groningen
Classification: Benign. Review status: no assertion criteria provided. Collection method: clinical testing. Allele origin: germline. Affected: yes. Study: VKGL Data-share Consensus. Not counted in ClinVar's aggregate classification.

NM_001145809.2(MYH14):c.5430G>A (p.Ser1810=)

Gene: MYH14 (myosin heavy chain 14; plus strand). Cytogenetic location: 19q13.33.
Variant type: single nucleotide variant.
Coding change: c.5430G>A on transcript NM_001145809.2 (MANE Select); coding-DNA position 5430, G replaced by A.
Protein change: p.Ser1810=; no amino-acid change (serine 1810 retained).
Molecular consequence: synonymous variant.
Genome position (GRCh38, 1-based): chr19:50,293,648, G>A. VCF-style: chr19-50293648-G-A. GRCh37 (hg19) VCF-style: chr19-50796905-G-A.
Other names: p.Ser1769=; c.5331G>A, p.Ser1777= (NM_001077186.2); c.5307G>A, p.Ser1769= (NM_024729.4).
Identifiers: ClinVar variation 44075 (VCV000044075.23), dbSNP rs3745509, ClinGen allele CA133508.